The following is an entry in ClinVar:

NM_006516.4(SLC2A1):c.1053G>A (p.Met351Ile)

Gene: SLC2A1 (solute carrier family 2 member 1; minus strand). Cytogenetic location: 1p34.2.
Variant type: single nucleotide variant.
Coding change: c.1053G>A on transcript NM_006516.4 (MANE Select); coding-DNA position 1053, G replaced by A.
Protein change: p.Met351Ile; replaces methionine 351 with isoleucine.
Molecular consequence: missense variant.
Genome position (GRCh38, 1-based): chr1:42,928,953, C>T on the plus strand (G>A on the coding strand, the complement: SLC2A1 is on the minus strand). VCF-style: chr1-42928953-C-T. GRCh37 (hg19) VCF-style: chr1-43394624-C-T.
Other names: p.Met351Ile; c.1053G>A (NM_006516.3); short protein forms M351I.
Identifiers: ClinVar variation 1485661 (VCV001485661.10), dbSNP rs1270248389, ClinGen allele CA339955606.
Genomic context (GRCh38, chr1:42,928,953, plus strand): 5'-TCTCCCGCATCCCTCACTCTCCAGAACCTAGCAACTCACCAGCAGTGCTAGCGCGATGGT[C>T]ATGAGTATGGCACAACCCGCCATGCCAGCGAGGCCTATGAGGTGCAGGGTCCGCCGGCCT-3'
Protein context (NP_006507.2, residues 341-361): LAGMAGCAIL[Met351Ile]TIALALLEQL

ClinVar aggregate classification (germline): Uncertain significance. Review status: criteria provided, multiple submitters, no conflicts (2 of 4 stars). 3 submissions from 3 submitters: Uncertain significance (3). Last evaluated 2025-02-20.

Conditions:
GLUT1 deficiency syndrome 1, autosomal recessive. Identifiers: MedGen C3149117.

Allele frequency attached by ClinVar (database versions not stated): gnomAD exomes below 0.00001; TOPMed 0.00002.
gnomAD v4.1: 1 of 1,614,018 alleles (0.000062%); highest among the groups gnomAD compares: Non-Finnish European, 0.000085%; no homozygotes.

Submissions (3):

Labcorp Genetics (formerly Invitae), Labcorp
Classification: Uncertain significance for GLUT1 deficiency syndrome 1, autosomal recessive. Last evaluated: 2025-02-20. Review status: criteria provided, single submitter. Criteria: Invitae Variant Classification Sherloc (09022015). Collection method: clinical testing. Allele origin: germline.
Comment: This sequence change replaces methionine, which is neutral and non-polar, with isoleucine, which is neutral and non-polar, at codon 351 of the SLC2A1 protein (p.Met351Ile). This variant is present in population databases (no rsID available, gnomAD 0.0009%). This variant has not been reported in the literature in individuals affected with SLC2A1-related conditions. ClinVar contains an entry for this variant (Variation ID: 1485661). Invitae Evidence Modeling of protein sequence and biophysical properties (such as structural, functional, and spatial information, amino acid conservation, physicochemical variation, residue mobility, and thermodynamic stability) has been performed for this missense variant. However, the output from this modeling did not meet the statistical confidence thresholds required to predict the impact of this variant on SLC2A1 protein function. In summary, the available evidence is currently insufficient to determine the role of this variant in disease. Therefore, it has been classified as a Variant of Uncertain Significance.

Revvity Omics, Revvity
Classification: Uncertain significance. Last evaluated: 2024-10-16. Review status: criteria provided, single submitter. Criteria: ACMG Guidelines, 2015. Collection method: clinical testing. Allele origin: germline.

Mayo Clinic Laboratories, Mayo Clinic
Classification: Uncertain significance. Last evaluated: 2022-08-11. Review status: criteria provided, single submitter. Criteria: ACMG Guidelines, 2015. Collection method: clinical testing. Allele origin: germline. Observed: 1 variant allele.